The following is an entry in ClinVar:

NM_138409.4(MRAP2):c.140T>C (p.Ile47Thr)

Gene: MRAP2 (melanocortin 2 receptor accessory protein 2; plus strand). Cytogenetic location: 6q14.2.
Variant type: single nucleotide variant.
Coding change: c.140T>C on transcript NM_138409.4 (MANE Select); coding-DNA position 140, T replaced by C.
Protein change: p.Ile47Thr; replaces isoleucine 47 with threonine.
Molecular consequence: missense variant. On other transcripts: 5 prime UTR variant (1), intron variant (1).
Genome position (GRCh38, 1-based): chr6:84,062,905, T>C. VCF-style: chr6-84062905-T-C. GRCh37 (hg19) VCF-style: chr6-84772624-T-C.
Other names: c.140T>C, p.Ile47Thr (NM_001346542.2, NM_001346544.2); c.-120T>C (NM_001346543.2); c.-32+7460T>C (NM_001346541.2); short protein forms I47T.
Identifiers: ClinVar variation 3349856 (VCV003349856.2).
Genomic context (GRCh38, chr6:84,062,905, plus strand): 5'-GTTTTAAACTACTGTGAAATACTAATCCCAGAATTAACTGTCTTTCAGATTCCATTGTGA[T>C]TGGATTTTGGGTTGGTCTTGCAGTCTTCGTGATTTTTATGTTTTTTGTGCTGACCTTGCT-3'
Protein context (NP_612418.2, residues 37-57): GLKAHKYSIV[Ile47Thr]GFWVGLAVFV

ClinVar aggregate classification (germline): Uncertain significance (1 of 4 stars; one submission).

Conditions:
MRAP2-related disorder. Also called: MRAP2-related condition.

gnomAD v4.1: 17 of 1,614,166 alleles (0.0011%); highest among the groups gnomAD compares: African/African-American, 0.0027%; no homozygotes.

Submission:

PreventionGenetics, part of Exact Sciences
Classification: Uncertain significance for MRAP2-related condition. Last evaluated: 2025-07-08. Review status: criteria provided, single submitter. Criteria: ACMG Guidelines, 2015. Collection method: clinical testing. Allele origin: germline.
Comment: The MRAP2 c.140T>C variant is predicted to result in the amino acid substitution p.Ile47Thr. To our knowledge, this variant has not been reported in the literature. This variant is reported in 0.0062% of alleles in individuals of African descent in gnomAD. At this time, the clinical significance of this variant is uncertain due to the absence of conclusive functional and genetic evidence.